The following is an entry in ClinVar:

ClinVar aggregate classification (germline): Uncertain significance (1 of 4 stars; one submission).

Conditions:
Osteogenesis imperfecta type 8 (OI8). Identifiers: MedGen C1970458, MONDO:0012581, OMIM 610915.

Submission:

Labcorp Genetics (formerly Invitae), Labcorp
Classification: Uncertain significance for Osteogenesis imperfecta type 8. Last evaluated: 2020-09-15. Review status: criteria provided, single submitter. Criteria: Invitae Variant Classification Sherloc (09022015). Collection method: clinical testing. Allele origin: germline.
Comment: This variant has not been reported in the literature in individuals with P3H1-related conditions. This variant is not present in population databases (ExAC no frequency). This sequence change replaces glycine with arginine at codon 716 of the P3H1 protein (p.Gly716Arg). The glycine residue is weakly conserved and there is a moderate physicochemical difference between glycine and arginine. In summary, the available evidence is currently insufficient to determine the role of this variant in disease. Therefore, it has been classified as a Variant of Uncertain Significance. Algorithms developed to predict the effect of missense changes on protein structure and function (SIFT, PolyPhen-2, Align-GVGD) all suggest that this variant is likely to be tolerated, but these predictions have not been confirmed by published functional studies and their clinical significance is uncertain.

NM_022356.4(P3H1):c.2146G>C (p.Gly716Arg)

Gene: P3H1 (prolyl 3-hydroxylase 1; minus strand). Cytogenetic location: 1p34.2.
Variant type: single nucleotide variant.
Coding change: c.2146G>C on transcript NM_022356.4 (MANE Select); coding-DNA position 2146, G replaced by C.
Protein change: p.Gly716Arg; replaces glycine 716 with arginine.
Molecular consequence: missense variant. On other transcripts: 3 prime UTR variant (2).
Genome position (GRCh38, 1-based): chr1:42,746,762, C>G on the plus strand (G>C on the coding strand, the complement: P3H1 is on the minus strand). VCF-style: chr1-42746762-C-G. GRCh37 (hg19) VCF-style: chr1-43212433-C-G.
Other names: c.*71G>C (NM_001146289.2); c.*150G>C (NM_001243246.2); short protein forms G716R.
Identifiers: ClinVar variation 1017074 (VCV001017074.8), dbSNP rs1295977850, ClinGen allele CA339950515.